The following is an entry in ClinVar:

ClinVar aggregate classification (germline): Uncertain significance (1 of 4 stars; one submission).

Conditions:
Retinoblastoma (RB1). Also called: RETINOBLASTOMA, SOMATIC. Identifiers: Orphanet 790, MedGen C0035335, MeSH D012175, MONDO:0008380, OMIM 180200, HP:0009919. Disease mechanism: loss of function. Inheritance: Both sporadic and heritable forms are tested..

Submission:

All of Us Research Program, National Institutes of Health
Classification: Uncertain significance for Retinoblastoma. Last evaluated: 2023-04-27. Review status: criteria provided, single submitter. Criteria: ACMG Guidelines, 2015. Collection method: clinical testing. Allele origin: germline. Inheritance: Autosomal dominant inheritance. Observed: 1 variant allele, 1 heterozygote.
Comment: This study involves interpretation of variants in research participants for the purpose of population health screening. Participant phenotype was not available at the time of variant classification. Additional details can be found in publication PMID: 35346344, PMCID: PMC8962531

NM_000321.3(RB1):c.1010T>C (p.Leu337Ser)

Gene: RB1 (RB transcriptional corepressor 1; plus strand). Cytogenetic location: 13q14.2.
Variant type: single nucleotide variant.
Coding change: c.1010T>C on transcript NM_000321.3 (MANE Select); coding-DNA position 1010, T replaced by C.
Protein change: p.Leu337Ser; replaces leucine 337 with serine.
Molecular consequence: missense variant.
Genome position (GRCh38, 1-based): chr13:48,367,564, T>C. VCF-style: chr13-48367564-T-C. GRCh37 (hg19) VCF-style: chr13-48941700-T-C.
Other names: c.1010T>C, p.Leu337Ser (NM_001407165.1, NM_001407166.1); short protein forms L337S.
Identifiers: ClinVar variation 3070504 (VCV003070504.1), dbSNP rs2542188593, ClinGen allele CA388160805.